The following is an entry in ClinVar:

ClinVar aggregate classification (germline): Uncertain significance (1 of 4 stars; one submission).

Conditions:
Hereditary sensory and autonomic neuropathy type 1 (HSAN1). Also called: HSAN 1; HSN Type I; Hereditary Sensory Neuropathy Type I. Identifiers: Orphanet 36386, MedGen C0020071, MONDO:0018213.

Allele frequency attached by ClinVar (database versions not stated): gnomAD 0.00001; TOPMed below 0.00001; gnomAD exomes below 0.00001.
gnomAD v4.1: 2 of 1,613,750 alleles (0.00012%); highest among the groups gnomAD compares: Admixed American, 0.0033%; no homozygotes.

Submission:

Labcorp Genetics (formerly Invitae), Labcorp
Classification: Uncertain significance for Hereditary sensory and autonomic neuropathy type 1. Last evaluated: 2017-09-24. Review status: criteria provided, single submitter. Criteria: Invitae Variant Classification Sherloc (09022015). Collection method: clinical testing. Allele origin: germline.
Comment: This sequence change replaces methionine with valine at codon 249 of the SPTLC1 protein (p.Met249Val). The methionine residue is moderately conserved and there is a small physicochemical difference between methionine and valine. This variant is not present in population databases (ExAC no frequency). This variant has not been reported in the literature in individuals with SPTLC1-related disease. Algorithms developed to predict the effect of missense changes on protein structure and function (SIFT, PolyPhen-2, Align-GVGD) all suggest that this variant is likely to be tolerated, but these predictions have not been confirmed by published functional studies and their clinical significance is uncertain. In summary, the available evidence is currently insufficient to determine the role of this variant in disease. Therefore, it has been classified as a Variant of Uncertain Significance.

NM_006415.4(SPTLC1):c.745A>G (p.Met249Val)

Gene: SPTLC1 (serine palmitoyltransferase long chain base subunit 1; minus strand). Cytogenetic location: 9q22.31.
Variant type: single nucleotide variant.
Coding change: c.745A>G on transcript NM_006415.4 (MANE Select); coding-DNA position 745, A replaced by G.
Protein change: p.Met249Val; replaces methionine 249 with valine.
Molecular consequence: missense variant.
Genome position (GRCh38, 1-based): chr9:92,055,440, T>C on the plus strand (A>G on the coding strand, the complement: SPTLC1 is on the minus strand). VCF-style: chr9-92055440-T-C. GRCh37 (hg19) VCF-style: chr9-94817722-T-C.
Other names: c.745A>G, p.Met249Val (NM_001281303.2); c.379A>G, p.Met127Val (NM_001368272.1); c.280A>G, p.Met94Val (NM_001368273.1); short protein forms M249V, M127V, M94V.
Identifiers: ClinVar variation 526708 (VCV000526708.8), dbSNP rs1279567220, ClinGen allele CA373795203.
Genomic context (GRCh38, chr9:92,055,440, plus strand): 5'-ATTACAGCTGAACATGGTTGCTTACCAATTCTGGAAGAGGACAAATAGTTCCAGTATTCA[T>C]ATACAATCCTTCTACTACAATGAAACGCCGAGTTACACGAGCCTTGCGAGGATTCTTTAA-3'
Protein context (NP_006406.1, residues 239-259): RRFIVVEGLY[Met249Val]NTGTICPLPE